The following is an entry in ClinVar:

ClinVar aggregate classification (germline): Likely benign (1 of 4 stars; one submission).

Conditions:
TMEM98-related disorder. Also called: TMEM98-related condition.

Submission:

PreventionGenetics, part of Exact Sciences
Classification: Likely benign for TMEM98-related condition. Last evaluated: 2026-01-14. Review status: criteria provided, single submitter. Criteria: ACMG Guidelines, 2015. Collection method: clinical testing. Allele origin: germline.
Comment: This variant is classified as likely benign based on ACMG/AMP sequence variant interpretation guidelines (Richards et al. 2015 PMID: 25741868, with internal and published modifications).

NM_015544.3(TMEM98):c.177C>T (p.Pro59=)

Gene: TMEM98 (transmembrane protein 98; plus strand). Cytogenetic location: 17q11.2.
Variant type: single nucleotide variant.
Coding change: c.177C>T on transcript NM_015544.3 (MANE Select); coding-DNA position 177, C replaced by T.
Protein change: p.Pro59=; no amino-acid change (proline 59 retained).
Molecular consequence: synonymous variant.
Genome position (GRCh38, 1-based): chr17:32,933,219, C>T. VCF-style: chr17-32933219-C-T. GRCh37 (hg19) VCF-style: chr17-31260237-C-T.
Other names: c.177C>T, p.Pro59= (NM_001033504.2, NM_001301746.2).
Identifiers: ClinVar variation 4979553 (VCV004979553.1).
Genomic context (GRCh38, chr17:32,933,219, plus strand): 5'-GGCCTTTTCTTCCAGGCCCATTGTGGACCTCATTGGTGCCATGGAGACCCAGTCTGAGCC[C>T]TCTGAGTTAGAACTGGACGATGTCGTTATCACCAACCCCCACATTGAGGCCATTCTGGAG-3'
Protein context (NP_056359.2, residues 49-69): LIGAMETQSE[Pro59=]SELELDDVVI